The following is an entry in ClinVar:

ClinVar aggregate classification (germline): Uncertain significance. Review status: criteria provided, multiple submitters, no conflicts (2 of 4 stars). 3 submissions from 3 submitters: Uncertain significance (3). Last evaluated 2025-12-11.

Conditions:
Retinal dystrophy. Also called: Inherited retinal dystrophy. Identifiers: Orphanet 71862, MedGen C0854723, MeSH D058499, MONDO:0019118, HP:0000556.
ARL6-related disorder. Also called: ARL6-related condition.
Bardet-Biedl syndrome 3 (BBS3). Identifiers: Orphanet 110, MedGen C1859564, MONDO:0010832, OMIM 600151.
Retinitis pigmentosa 55 (RP55). Identifiers: Orphanet 791, MedGen C3150808, MONDO:0013312, OMIM 613575.

Allele frequency attached by ClinVar (database versions not stated): ExAC 0.00001; TOPMed 0.00001.
gnomAD v4.1: 7 of 1,612,062 alleles (0.00043%); highest among the groups gnomAD compares: Admixed American, 0.0017%; no homozygotes.

Submissions (3):

PreventionGenetics, part of Exact Sciences
Classification: Uncertain significance for ARL6-related condition. Last evaluated: 2025-12-11. Review status: criteria provided, single submitter. Criteria: ACMG Guidelines, 2015. Collection method: clinical testing. Allele origin: germline.
Comment: The ARL6 c.328G>A variant is predicted to result in the amino acid substitution p.Asp110Asn. This variant has been reported in the literature in an individual from a cohort with retinitis pigmentosa and allied diseases (Table S5, Goto et al. 2024. PubMed ID: 38499336). This variant is reported in 0.0029% of alleles in individuals of Latino descent in gnomAD. At this time, the clinical significance of this variant is uncertain due to the absence of conclusive functional and genetic evidence.

Dept Of Ophthalmology, Nagoya University
Classification: Uncertain significance for Retinal dystrophy. Last evaluated: 2023-10-01. Review status: criteria provided, single submitter. Criteria: Submitter's publication. Collection method: research. Allele origin: germline. Affected: yes.

Labcorp Genetics (formerly Invitae), Labcorp
Classification: Uncertain significance for Retinitis pigmentosa 55; Bardet-Biedl syndrome 3. Last evaluated: 2022-06-17. Review status: criteria provided, single submitter. Criteria: Invitae Variant Classification Sherloc (09022015). Collection method: clinical testing. Allele origin: germline.
Comment: This sequence change replaces aspartic acid, which is acidic and polar, with asparagine, which is neutral and polar, at codon 110 of the ARL6 protein (p.Asp110Asn). This variant is present in population databases (rs200100002, gnomAD 0.003%). This variant has not been reported in the literature in individuals affected with ARL6-related conditions. ClinVar contains an entry for this variant (Variation ID: 1026308). Algorithms developed to predict the effect of missense changes on protein structure and function (SIFT, PolyPhen-2, Align-GVGD) all suggest that this variant is likely to be tolerated. In summary, the available evidence is currently insufficient to determine the role of this variant in disease. Therefore, it has been classified as a Variant of Uncertain Significance.

NM_001278293.3(ARL6):c.328G>A (p.Asp110Asn)

Gene: ARL6 (ARF like GTPase 6; plus strand). Cytogenetic location: 3q11.2.
Variant type: single nucleotide variant.
Coding change: c.328G>A on transcript NM_001278293.3 (MANE Select); coding-DNA position 328, G replaced by A.
Protein change: p.Asp110Asn; replaces aspartic acid 110 with asparagine.
Molecular consequence: missense variant. On other transcripts: non-coding transcript variant (7).
Genome position (GRCh38, 1-based): chr3:97,785,028, G>A. VCF-style: chr3-97785028-G-A. GRCh37 (hg19) VCF-style: chr3-97503872-G-A.
Other names: c.328G>A, p.Asp110Asn (NM_001323513.2, NM_001323514.2, NM_032146.5 and 1 more transcripts); short protein forms D110N.
Identifiers: ClinVar variation 1026308 (VCV001026308.6), dbSNP rs200100002, ClinGen allele CA2505926.
Genomic context (GRCh38, chr3:97,785,028, plus strand): 5'-ATTATTTTTGTCATTGATAGTAGTGATAGATTAAGAATGGTTGTGGCCAAAGAAGAACTC[G>A]ATACTCTTCTGAATCATCCAGGTATGTGTGTGTCTTTCAGTCTGTATCTGTTCTTTGGGG-3'
Protein context (NP_001265222.1, residues 100-120): LRMVVAKEEL[Asp110Asn]TLLNHPDIKH